The following is an entry in ClinVar:

NM_181882.3(PRX):c.847G>A (p.Val283Met)

Gene: PRX (periaxin; minus strand). Cytogenetic location: 19q13.2.
Variant type: single nucleotide variant.
Coding change: c.847G>A on transcript NM_181882.3 (MANE Select); coding-DNA position 847, G replaced by A.
Protein change: p.Val283Met; replaces valine 283 with methionine.
Molecular consequence: missense variant. On other transcripts: 3 prime UTR variant (1).
Genome position (GRCh38, 1-based): chr19:40,397,505, C>T on the plus strand (G>A on the coding strand, the complement: PRX is on the minus strand). VCF-style: chr19-40397505-C-T. GRCh37 (hg19) VCF-style: chr19-40903412-C-T.
Other names: c.*1052G>A (NM_020956.2); short protein forms V283M.
Identifiers: ClinVar variation 653467 (VCV000653467.31), dbSNP rs535087433, ClinGen allele CA9444369.

ClinVar aggregate classification (germline): Uncertain significance. Review status: criteria provided, multiple submitters, no conflicts (2 of 4 stars). 3 submissions from 3 submitters: Uncertain significance (3). Last evaluated 2025-07-03.

Conditions:
Charcot-Marie-Tooth disease type 4. Also called: Charcot-Marie-Tooth, Type 4; Charcot-Marie-Tooth disease, type IV. Identifiers: Orphanet 64749, MedGen C4082197, MONDO:0018995.

Allele frequency attached by ClinVar (database versions not stated): ExAC below 0.00001; gnomAD 0.00003; TOPMed 0.00009.
gnomAD v4.1: 79 of 1,552,790 alleles (0.0051%); highest among the groups gnomAD compares: African/African-American, 0.011%; no homozygotes.

Submissions (3):

GeneDx
Classification: Uncertain significance. Last evaluated: 2025-07-03. Review status: criteria provided, single submitter. Criteria: GeneDx Variant Classification Process June 2021. Collection method: clinical testing. Allele origin: germline. Affected: yes.
Comment: Not observed at significant frequency in large population cohorts (gnomAD); In silico analysis suggests that this missense variant does not alter protein structure/function; Has not been previously published as pathogenic or benign to our knowledge

Labcorp Genetics (formerly Invitae), Labcorp
Classification: Uncertain significance for Charcot-Marie-Tooth disease type 4. Last evaluated: 2024-10-04. Review status: criteria provided, single submitter. Criteria: Invitae Variant Classification Sherloc (09022015). Collection method: clinical testing. Allele origin: germline.
Comment: This sequence change replaces valine, which is neutral and non-polar, with methionine, which is neutral and non-polar, at codon 283 of the PRX protein (p.Val283Met). This variant is present in population databases (rs535087433, gnomAD 0.006%). This variant has not been reported in the literature in individuals affected with PRX-related conditions. ClinVar contains an entry for this variant (Variation ID: 653467). An algorithm developed to predict the effect of missense changes on protein structure and function (PolyPhen-2) suggests that this variant is likely to be disruptive. In summary, the available evidence is currently insufficient to determine the role of this variant in disease. Therefore, it has been classified as a Variant of Uncertain Significance.

CeGaT Center for Human Genetics Tuebingen
Classification: Uncertain significance. Last evaluated: 2024-02-01. Review status: criteria provided, single submitter. Criteria: CeGaT Center For Human Genetics Tuebingen Variant Classification Criteria Version 2. Collection method: clinical testing. Allele origin: germline. Affected: yes. Observed: 1 variant allele.